The following is an entry in ClinVar:

NM_033026.6(PCLO):c.5968G>C (p.Glu1990Gln)

Gene: PCLO (piccolo presynaptic cytomatrix protein; minus strand). Cytogenetic location: 7q21.11.
Variant type: single nucleotide variant.
Coding change: c.5968G>C on transcript NM_033026.6 (MANE Select); coding-DNA position 5968, G replaced by C.
Protein change: p.Glu1990Gln; replaces glutamic acid 1990 with glutamine.
Molecular consequence: missense variant.
Genome position (GRCh38, 1-based): chr7:82,954,985, C>G on the plus strand (G>C on the coding strand, the complement: PCLO is on the minus strand). VCF-style: chr7-82954985-C-G. GRCh37 (hg19) VCF-style: chr7-82584301-C-G.
Other names: c.5968G>C, p.Glu1990Gln (NM_014510.3); c.5968G>C (NM_033026.5); short protein forms E1990Q.
Identifiers: ClinVar variation 1445762 (VCV001445762.5), dbSNP rs755562385, ClinGen allele CA4320555.

ClinVar aggregate classification (germline): Uncertain significance. Review status: criteria provided, multiple submitters, no conflicts (2 of 4 stars). 3 submissions from 3 submitters: Uncertain significance (3). Last evaluated 2022-12-14.

Conditions:
Inborn genetic diseases. Identifiers: MedGen C0950123, MeSH D030342.

Allele frequency attached by ClinVar (database versions not stated): gnomAD 0.00001; ExAC 0.00002; gnomAD exomes 0.00003 and 0.00008; TOPMed 0.00004.
gnomAD v4.1: 116 of 1,613,698 alleles (0.0072%); highest among the groups gnomAD compares: Non-Finnish European, 0.0097%; no homozygotes.

Submissions (3):

Ambry Genetics
Classification: Uncertain significance for Inborn genetic diseases. Last evaluated: 2022-12-14. Review status: criteria provided, single submitter. Criteria: Ambry Variant Classification Scheme 2023. Collection method: clinical testing. Allele origin: germline.

Labcorp Genetics (formerly Invitae), Labcorp
Classification: Uncertain significance. Last evaluated: 2022-06-13. Review status: criteria provided, single submitter. Criteria: Invitae Variant Classification Sherloc (09022015). Collection method: clinical testing. Allele origin: germline.
Comment: This sequence change replaces glutamic acid, which is acidic and polar, with glutamine, which is neutral and polar, at codon 1990 of the PCLO protein (p.Glu1990Gln). This variant is present in population databases (rs755562385, gnomAD 0.006%). This variant has not been reported in the literature in individuals affected with PCLO-related conditions. Algorithms developed to predict the effect of missense changes on protein structure and function are either unavailable or do not agree on the potential impact of this missense change (SIFT: "Deleterious"; PolyPhen-2: "Not Available"; Align-GVGD: "Class C0"). In summary, the available evidence is currently insufficient to determine the role of this variant in disease. Therefore, it has been classified as a Variant of Uncertain Significance.

Breakthrough Genomics
Classification: Uncertain significance. Review status: criteria provided, single submitter. Criteria: ACMG Guidelines, 2015. Collection method: not provided. Allele origin: germline. Inheritance: Autosomal recessive inheritance. Affected: yes.